The following is an entry in ClinVar:

ClinVar aggregate classification (germline): Likely benign. Review status: criteria provided, multiple submitters, no conflicts (2 of 4 stars). 2 submissions from 2 submitters: Likely benign (2). Last evaluated 2026-06-06.

Conditions:
ABCG8-related disorder. Also called: ABCG8-related condition.
Cardiovascular phenotype. Identifiers: MedGen CN230736.

Allele frequency attached by ClinVar (database versions not stated): gnomAD exomes 0.00001; ExAC 0.00002; gnomAD 0.00003; TOPMed 0.00004; ESP Exome Variant Server 0.00008.
gnomAD v4.1: 19 of 1,614,070 alleles (0.0012%); highest among the groups gnomAD compares: African/African-American, 0.0093%; no homozygotes.

Submissions (2):

PreventionGenetics, part of Exact Sciences
Classification: Likely benign for ABCG8-related condition. Last evaluated: 2026-06-06. Review status: criteria provided, single submitter. Criteria: ACMG Guidelines, 2015. Collection method: clinical testing. Allele origin: germline.
Comment: This variant is classified as likely benign based on ACMG/AMP sequence variant interpretation guidelines (Richards et al. 2015 PMID: 25741868, with internal and published modifications).

Ambry Genetics
Classification: Likely benign for Cardiovascular phenotype. Last evaluated: 2021-06-10. Review status: criteria provided, single submitter. Criteria: Ambry Variant Classification Scheme 2023. Collection method: clinical testing. Allele origin: germline.

NM_022437.3(ABCG8):c.738C>T (p.Phe246=)

Gene: ABCG8 (ATP binding cassette subfamily G member 8; plus strand). Cytogenetic location: 2p21.
Variant type: single nucleotide variant.
Coding change: c.738C>T on transcript NM_022437.3 (MANE Select); coding-DNA position 738, C replaced by T.
Protein change: p.Phe246=; no amino-acid change (phenylalanine 246 retained).
Molecular consequence: synonymous variant.
Genome position (GRCh38, 1-based): chr2:43,852,642, C>T. VCF-style: chr2-43852642-C-T. GRCh37 (hg19) VCF-style: chr2-44079781-C-T.
Other names: c.738C>T, p.Phe246= (NM_001357321.2).
Identifiers: ClinVar variation 1758646 (VCV001758646.3), dbSNP rs370738450, ClinGen allele CA1637161.